The following is an entry in ClinVar:

NM_005654.6(NR2F1):c.827T>A (p.Leu276Ter)

Gene: NR2F1 (nuclear receptor subfamily 2 group F member 1; plus strand). Cytogenetic location: 5q15.
Variant type: single nucleotide variant.
Coding change: c.827T>A on transcript NM_005654.6 (MANE Select); coding-DNA position 827, T replaced by A.
Protein change: p.Leu276Ter; replaces leucine 276 with a stop codon.
Molecular consequence: nonsense.
Genome position (GRCh38, 1-based): chr5:93,588,280, T>A. VCF-style: chr5-93588280-T-A. GRCh37 (hg19) VCF-style: chr5-92923986-T-A.
Other names: short protein forms L276*.
Identifiers: ClinVar variation 1699474 (VCV001699474.3), dbSNP rs2149943098, ClinGen allele CA360527170.

ClinVar aggregate classification (germline): Pathogenic (1 of 4 stars; one submission).

Conditions:
Bosch-Boonstra-Schaaf optic atrophy syndrome (BBSOAS). Also called: NR2F1-Related Neurodevelopmental Disorder. Identifiers: Orphanet 401777, MedGen C3810363, MONDO:0014320, OMIM 615722.

Submission:

Victorian Clinical Genetics Services, Murdoch Childrens Research Institute
Classification: Pathogenic for Bosch-Boonstra-Schaaf optic atrophy syndrome. Last evaluated: 2022-06-24. Review status: criteria provided, single submitter. Criteria: ACMG Guidelines, 2015. Collection method: clinical testing. Allele origin: germline. Inheritance: Autosomal dominant inheritance. Affected: yes.
Comment: Based on the classification scheme VCGS_Germline_v1.3.4, this variant is classified as Pathogenic. Following criteria are met: 0102 - Loss of function is a known mechanism of disease in this gene and is associated with Bosch-Boonstra-Schaaf optic atrophy syndrome (MIM#615722). (I) 0107 - This gene is associated with autosomal dominant disease. (I) 0201 - Variant is predicted to cause nonsense-mediated decay (NMD) and loss of protein (premature termination codon is located at least 54 nucleotides upstream of the final exon-exon junction). (SP) 0251 - This variant is heterozygous. (I) 0301 - Variant is absent from gnomAD (both v2 and v3). (SP) 0701 - Other NMD predicted variants comparable to the one identified in this case have very strong previous evidence for pathogenicity (DECIPHER). (SP) 0807 - This variant has no previous evidence of pathogenicity. (I) 0905 - No published segregation evidence has been identified for this variant. (I) 1007 - No published functional evidence has been identified for this variant. (SP) Legend: (SP) - Supporting pathogenic, (I) - Information, (SB) - Supporting benign